The following is an entry in ClinVar:

NM_000834.5(GRIN2B):c.2359+47C>A

Gene: GRIN2B (glutamate ionotropic receptor NMDA type subunit 2B; minus strand). Cytogenetic location: 12p13.1.
Variant type: single nucleotide variant.
Coding change: c.2359+47C>A on transcript NM_000834.5 (MANE Select); 47 bases into the intron after coding-DNA position 2359, C replaced by A.
Molecular consequence: intron variant.
Genome position (GRCh38, 1-based): chr12:13,569,783, G>T on the plus strand (C>A on the coding strand, the complement: GRIN2B is on the minus strand). VCF-style: chr12-13569783-G-T. GRCh37 (hg19) VCF-style: chr12-13722717-G-T.
Other names: NC_000012.11:g.13722717G>T.
Identifiers: ClinVar variation 673239 (VCV000673239.3), dbSNP rs1806211, ClinGen allele CA6461068.

ClinVar aggregate classification (germline): Benign. Review status: criteria provided, multiple submitters, no conflicts (2 of 4 stars). 2 submissions from 2 submitters: Benign (2). Last evaluated 2018-06-14.

Allele frequency attached by ClinVar (database versions not stated): 1000 Genomes Project 0.04373; gnomAD 0.03870; 1000 Genomes Project 30x 0.04435; ESP Exome Variant Server 0.04859; TOPMed 0.04497.
gnomAD v4.1: 10,547 of 1,174,562 alleles (0.9%); highest among the groups gnomAD compares: African/African-American, 14%; 677 homozygotes.

Submissions (3):

GeneDx
Classification: Benign. Last evaluated: 2018-06-14. Review status: criteria provided, single submitter. Criteria: GeneDx Variant Classification (06012015). Collection method: clinical testing. Allele origin: germline. Affected: yes.
Comment: This variant is considered likely benign or benign based on one or more of the following criteria: it is a conservative change, it occurs at a poorly conserved position in the protein, it is predicted to be benign by multiple in silico algorithms, and/or has population frequency not consistent with disease.

Breakthrough Genomics
Classification: Benign. Review status: criteria provided, single submitter. Criteria: ACMG Guidelines, 2015. Collection method: not provided. Allele origin: germline. Inheritance: Autosomal dominant inheritance. Affected: yes.

Dr. Peter K. Rogan Lab, Western University
No classification provided (evidence only). Condition: Sarcoma. Review status: no classification provided. Collection method: in vitro. Allele origin: not applicable. Functional consequence: retained intron. Not counted in ClinVar's aggregate classification.